The following is an entry in ClinVar:

NC_000004.12:g.(?_15478723)_(15480827_?)del

Genes: CC2D2A (coiled-coil and C2 domain containing 2A; plus strand), FBXL5 (F-box and leucine rich repeat protein 5; minus strand). Cytogenetic location: 4p15.32.
Variant type: Deletion.
Identifiers: ClinVar variation 417568 (VCV000417568.1).

ClinVar aggregate classification (germline): Pathogenic (1 of 4 stars; one submission).

Conditions:
Meckel-Gruber syndrome. Also called: Dysencephalia splachnocystica; DYSENCEPHALIA SPLANCHNOCYSTICA; GRUBER SYNDROME. Identifiers: Orphanet 564, MedGen C0265215, MONDO:0018921.
Joubert syndrome. Also called: Familial aplasia of the vermis; JOUBERT-BOLTSHAUSER SYNDROME. Identifiers: Orphanet 475, MedGen C5979921, MONDO:0018772.

Submission:

Labcorp Genetics (formerly Invitae), Labcorp
Classification: Pathogenic for Joubert syndrome; Meckel-Gruber syndrome. Last evaluated: 2016-08-08. Review status: criteria provided, single submitter. Criteria: Invitae Variant Classification Sherloc (09022015). Collection method: clinical testing. Allele origin: germline.
Comment: This variant is a gross deletion of the genomic region encompassing exons 4-5 of the CC2D2A gene. This creates a premature translational stop signal and is expected to result in an absent or disrupted protein product. While this particular variant has not been reported in the literature, truncating variants in CC2D2A are known to be pathogenic (PMID: 19777577). For these reasons, this variant has been classified as Pathogenic.